The following is an entry in ClinVar:

NR_002196.3(H19):n.1461A>G

Genes: H19 (H19 imprinted maternally expressed transcript; minus strand), HOTS (H19 opposite tumor suppressor; plus strand), MRPL23 (mitochondrial ribosomal protein L23; plus strand). Cytogenetic location: 11p15.5.
Variant type: single nucleotide variant.
Molecular consequence: non-coding transcript variant (on NR_002196.3). On other transcripts: intron variant (1).
Genome position: GRCh38 VCF-style: chr11-1996191-T-C. GRCh37 (hg19) VCF-style: chr11-2017421-T-C.
Other names: c.498-15350T>C (NM_001400176.1).
Identifiers: ClinVar variation 3050333 (VCV003050333.2), dbSNP rs371378746, ClinGen allele CA5817338.

ClinVar aggregate classification (germline): Likely benign (0 of 4 stars; one submission).

Conditions:
H19-related disorder. Also called: H19-related condition.

Allele frequency attached by ClinVar (database versions not stated): ESP Exome Variant Server 0.00035; 1000 Genomes Project 0.00040.

Submission:

PreventionGenetics, part of Exact Sciences
Classification: Likely benign for H19-related condition. Last evaluated: 2019-07-13. Review status: no assertion criteria provided. Collection method: clinical testing. Allele origin: germline.
Comment: This variant is classified as likely benign based on ACMG/AMP sequence variant interpretation guidelines (Richards et al. 2015 PMID: 25741868, with internal and published modifications).